The following is an entry in ClinVar:

ClinVar aggregate classification (germline): Uncertain significance (1 of 4 stars; one submission).

Allele frequency attached by ClinVar (database versions not stated): ExAC 0.00001; TOPMed 0.00002; gnomAD 0.00003.
gnomAD v4.1: 5 of 1,610,512 alleles (0.00031%); highest among the groups gnomAD compares: African/African-American, 0.0053%; no homozygotes.

Submission:

Labcorp Genetics (formerly Invitae), Labcorp
Classification: Uncertain significance. Last evaluated: 2024-07-22. Review status: criteria provided, single submitter. Criteria: Invitae Variant Classification Sherloc (09022015). Collection method: clinical testing. Allele origin: germline.
Comment: This sequence change replaces glutamic acid, which is acidic and polar, with glycine, which is neutral and non-polar, at codon 44 of the CREB3L3 protein (p.Glu44Gly). This variant is present in population databases (rs779662622, gnomAD 0.007%). This variant has not been reported in the literature in individuals affected with CREB3L3-related conditions. Advanced modeling of protein sequence and biophysical properties (such as structural, functional, and spatial information, amino acid conservation, physicochemical variation, residue mobility, and thermodynamic stability) performed at Invitae indicates that this missense variant is not expected to disrupt CREB3L3 protein function with a negative predictive value of 80%. In summary, the available evidence is currently insufficient to determine the role of this variant in disease. Therefore, it has been classified as a Variant of Uncertain Significance.

NM_032607.3(CREB3L3):c.131A>G (p.Glu44Gly)

Gene: CREB3L3 (cAMP responsive element binding protein 3 like 3; plus strand). Cytogenetic location: 19p13.3.
Variant type: single nucleotide variant.
Coding change: c.131A>G on transcript NM_032607.3 (MANE Select); coding-DNA position 131, A replaced by G.
Protein change: p.Glu44Gly; replaces glutamic acid 44 with glycine.
Molecular consequence: missense variant.
Genome position (GRCh38, 1-based): chr19:4,155,002, A>G. VCF-style: chr19-4155002-A-G. GRCh37 (hg19) VCF-style: chr19-4154999-A-G.
Other names: c.131A>G, p.Glu44Gly (NM_001271995.2, NM_001271996.2, NM_001271997.2); short protein forms E44G.
Identifiers: ClinVar variation 2784556 (VCV002784556.3), dbSNP rs779662622, ClinGen allele CA9091206.